The following is an entry in ClinVar:

NM_015278.5(SASH1):c.1529G>T (p.Ser510Ile)

Gene: SASH1 (SAM and SH3 domain containing 1; plus strand). Cytogenetic location: 6q25.1.
Variant type: single nucleotide variant.
Coding change: c.1529G>T on transcript NM_015278.5 (MANE Select); coding-DNA position 1529, G replaced by T.
Protein change: p.Ser510Ile; replaces serine 510 with isoleucine.
Molecular consequence: missense variant.
Genome position (GRCh38, 1-based): chr6:148,531,626, G>T. VCF-style: chr6-148531626-G-T. GRCh37 (hg19) VCF-style: chr6-148852762-G-T.
Other names: c.1394G>T, p.Ser465Ile (NM_001346505.2); c.1157G>T, p.Ser386Ile (NM_001346506.2); c.812G>T, p.Ser271Ile (NM_001346507.2); c.1301G>T, p.Ser434Ile (NM_001346508.2); c.1178G>T, p.Ser393Ile (NM_001346509.2); short protein forms S271I, S386I, S393I, S434I, S465I, S510I.
Identifiers: ClinVar variation 5006977 (VCV005006977.2).
Genomic context (GRCh38, chr6:148,531,626, plus strand): 5'-CACAGCCCGACCCCGAACACTTGGACAAGCCCAAGCTCAAGGCCGGGGGTTCTGTAGAAA[G>T]TCTTCGCAGTTCTCTCAGTGGGCAGAGCTCCATGAGTAAGTCGAGTTTGTCATTGTAGAT-3'
Protein context (NP_056093.3, residues 500-520): PKLKAGGSVE[Ser510Ile]LRSSLSGQSS

ClinVar aggregate classification (germline): Uncertain significance (1 of 4 stars; one submission).

Conditions:
Cancer, alopecia, pigment dyscrasia, onychodystrophy, and keratoderma (CAPOK). Also called: CAPOK SYNDROME. Identifiers: MedGen C5193062, OMIM 618373.
Dyschromatosis universalis hereditaria 1 (DUH1). Identifiers: MedGen C2675711, MONDO:0024524, OMIM 127500.

Submission:

Juno Genomics, Hangzhou Juno Genomics, Inc
Classification: Uncertain significance for Cancer, alopecia, pigment dyscrasia, onychodystrophy, and keratoderma; Dyschromatosis universalis hereditaria 1. Review status: criteria provided, single submitter. Criteria: ACMG Guidelines, 2015. Collection method: clinical testing. Allele origin: germline.
Comment: Absent from controls (or at extremely low frequency if recessive) in Genome Aggregation Database.